The following is an entry in ClinVar:

ClinVar aggregate classification (germline): Likely pathogenic (1 of 4 stars; one submission).

Conditions:
Dilated cardiomyopathy 1G (CMD1G). Identifiers: Orphanet 154, MedGen C1858763, MONDO:0011400, OMIM 604145.
Autosomal recessive limb-girdle muscular dystrophy type 2J (LGMDR10). Also called: Limb-girdle muscular dystrophy, type 2J; MUSCULAR DYSTROPHY, LIMB-GIRDLE, AUTOSOMAL RECESSIVE 10. Identifiers: Orphanet 140922, MedGen C1837342, MONDO:0012127, OMIM 608807.

Submission:

Labcorp Genetics (formerly Invitae), Labcorp
Classification: Likely pathogenic for Dilated cardiomyopathy 1G; Autosomal recessive limb-girdle muscular dystrophy type 2J. Last evaluated: 2024-11-04. Review status: criteria provided, single submitter. Criteria: Invitae Variant Classification Sherloc (09022015). Collection method: clinical testing. Allele origin: germline.
Comment: This sequence change affects a donor splice site in intron 107 of the TTN gene. It is expected to disrupt RNA splicing and likely results in a truncated or disrupted TTN protein. This variant is not present in population databases (gnomAD no frequency). Disruption of this splice site has been observed in individual(s) with autosomal recessive TTN-related conditions (PMID: 29691892; internal data). ClinVar contains an entry for this variant (Variation ID: 404936). Algorithms developed to predict the effect of sequence changes on RNA splicing suggest that this variant may disrupt the consensus splice site. This variant is located in the I band of TTN (PMID: 25589632). Truncating variants in this region have been reported in individuals affected with autosomal recessive centronuclear myopathy (PMID: 23975875, internal data). Truncating variants in this region have also been identified in individuals affected with autosomal dominant dilated cardiomyopathy and/or cardio-related conditions (PMID: 27869827, 32964742, internal data). In summary, the currently available evidence indicates that the variant is pathogenic, but additional data are needed to prove that conclusively. Therefore, this variant has been classified as Likely Pathogenic.

Literature cited by the submitters: PubMed 29691892; PubMed 25589632; PubMed 23975875; PubMed 27869827; PubMed 32964742.

NM_001267550.2(TTN):c.30433+2T>G

Gene: TTN (titin; minus strand). Cytogenetic location: 2q31.2.
Variant type: single nucleotide variant.
Coding change: c.30433+2T>G on transcript NM_001267550.2 (MANE Select); the canonical splice donor site of the intron after coding-DNA position 30433, T replaced by G.
Molecular consequence: splice donor variant. On other transcripts: intron variant (3).
Genome position (GRCh38, 1-based): chr2:178,702,452, A>C on the plus strand (T>G on the coding strand, the complement: TTN is on the minus strand). VCF-style: chr2-178702452-A-C. GRCh37 (hg19) VCF-style: chr2-179567179-A-C.
Other names: c.13282+35630T>G (NM_003319.4); c.13858+35630T>G (NM_133437.4); c.13657+35630T>G (NM_133432.3); c.26701+2T>G (NM_133378.4); c.29482+2T>G (NM_001256850.1).
Identifiers: ClinVar variation 404936 (VCV000404936.10), dbSNP rs1060500504, ClinGen allele CA16610469.